The following is an entry in ClinVar:

ClinVar aggregate classification (germline): Conflicting classifications of pathogenicity. Review status: criteria provided, conflicting classifications (1 of 4 stars). 3 submissions from 3 submitters: Uncertain significance (2); Benign (1). Last evaluated 2025-12-15.

Conditions:
Inborn genetic diseases. Identifiers: MedGen C0950123, MeSH D030342.

Allele frequency attached by ClinVar (database versions not stated): ExAC 0.00002; gnomAD 0.00003; TOPMed 0.00003; gnomAD exomes 0.00004; ESP Exome Variant Server 0.00008.

Submissions (3):

Labcorp Genetics (formerly Invitae), Labcorp
Classification: Uncertain significance. Last evaluated: 2025-12-15. Review status: criteria provided, single submitter. Criteria: Invitae Variant Classification Sherloc (09022015). Collection method: clinical testing. Allele origin: germline.
Comment: This sequence change replaces proline, which is neutral and non-polar, with leucine, which is neutral and non-polar, at codon 814 of the REST protein (p.Pro814Leu). This variant is present in population databases (rs374822603, gnomAD 0.007%). This variant has not been reported in the literature in individuals affected with REST-related conditions. ClinVar contains an entry for this variant (Variation ID: 2521508). An algorithm developed to predict the effect of missense changes on protein structure and function (PolyPhen-2) suggests that this variant is likely to be tolerated. In summary, the available evidence is currently insufficient to determine the role of this variant in disease. Therefore, it has been classified as a Variant of Uncertain Significance.

Blueprint Genetics
Classification: Benign. Last evaluated: 2024-11-17. Review status: criteria provided, single submitter. Criteria: ACMG Guidelines, 2015. Collection method: clinical testing. Allele origin: germline.

Ambry Genetics
Classification: Uncertain significance for Inborn genetic diseases. Last evaluated: 2023-05-30. Review status: criteria provided, single submitter. Criteria: Ambry Variant Classification Scheme 2023. Collection method: clinical testing. Allele origin: germline.

NM_005612.5(REST):c.2441C>T (p.Pro814Leu)

Gene: REST (RE1 silencing transcription factor; plus strand). Cytogenetic location: 4q12.
Variant type: single nucleotide variant.
Coding change: c.2441C>T on transcript NM_005612.5 (MANE Select); coding-DNA position 2441, C replaced by T.
Protein change: p.Pro814Leu; replaces proline 814 with leucine.
Molecular consequence: missense variant.
Genome position (GRCh38, 1-based): chr4:56,931,299, C>T. VCF-style: chr4-56931299-C-T. GRCh37 (hg19) VCF-style: chr4-57797465-C-T.
Other names: c.2441C>T, p.Pro814Leu (NM_001193508.2, NM_001363453.3); short protein forms P814L.
Identifiers: ClinVar variation 2521508 (VCV002521508.6), dbSNP rs374822603, ClinGen allele CA2932485.